The following is an entry in ClinVar:

NM_020166.5(MCCC1):c.848AGA[1] (p.Lys284del)

Gene: MCCC1 (methylcrotonyl-CoA carboxylase subunit 1; minus strand). Cytogenetic location: 3q27.1.
Variant type: Microsatellite.
Coding change: c.848AGA[1] on transcript NM_020166.5 (MANE Select); one copy of the 3-base unit AGA starting at c.848; the reference has two copies in a row; one copy, 3 bases deleted; also written c.851_853del.
Protein change: p.Lys284del; deletes lysine 284.
Molecular consequence: inframe deletion. On other transcripts: non-coding transcript variant (2).
Genome position (GRCh38, 1-based): chr3:183,057,331-183,057,333, TCT deleted on the plus strand (AGA on the coding strand, the reverse complement: MCCC1 is on the minus strand); deleting any 3 consecutive bases within chr3:183,057,331-183,057,336 gives the same sequence; the position shown is the placement nearest the transcript's 3' end. VCF-style (leftmost placement, unchanged base first): chr3-183057330-ATCT-A. GRCh37 (hg19) VCF-style: chr3-182775118-ATCT-A.
Other names: c.851_853del (NM_020166.5); c.497AGA[1], p.Lys167del (NM_001293273.2); c.521AGA[1], p.Lys175del (NM_001363880.1); short protein forms K167del, K175del, K284del.
Identifiers: ClinVar variation 1012111 (VCV001012111.7), dbSNP rs1715495987, ClinGen allele CA1425390919.

ClinVar aggregate classification (germline): Likely pathogenic. Review status: criteria provided, multiple submitters, no conflicts (2 of 4 stars). 2 submissions from 2 submitters: Likely pathogenic (2). Last evaluated 2025-10-07.

Conditions:
3-methylcrotonyl-CoA carboxylase 1 deficiency (MCC1D). Also called: MCCD TYPE 1; METHYLCROTONYLGLYCINURIA TYPE I; MCC 1 deficiency; 3 Alpha methylcrotonylglycinuria 1. Identifiers: Orphanet 6, MedGen CN028786, MONDO:0008861, OMIM 210200.

Submissions (2):

Labcorp Genetics (formerly Invitae), Labcorp
Classification: Likely pathogenic for 3-methylcrotonyl-CoA carboxylase 1 deficiency. Last evaluated: 2025-10-07. Review status: criteria provided, single submitter. Criteria: Invitae Variant Classification Sherloc (09022015). Collection method: clinical testing. Allele origin: germline.
Comment: This variant, c.851_853del, results in the deletion of 1 amino acid(s) of the MCCC1 protein (p.Lys284del), but otherwise preserves the integrity of the reading frame. This variant is not present in population databases (gnomAD no frequency). This variant has been observed in individuals with clinical features of 3-methylcrotonyl-CoA carboxylase deficiency (internal data). In summary, the currently available evidence indicates that the variant is pathogenic, but additional data are needed to prove that conclusively. Therefore, this variant has been classified as Likely Pathogenic.

Greenwood Genetic Center Diagnostic Laboratories, Greenwood Genetic Center
Classification: Likely pathogenic for 3-methylcrotonyl-CoA carboxylase 1 deficiency. Last evaluated: 2023-08-01. Review status: criteria provided, single submitter. Criteria: ACMG Guidelines, 2015. Collection method: clinical testing. Allele origin: germline. Affected: yes.
Comment: PS3_Moderate, PM2, PM4